The following is an entry in ClinVar:

NM_004700.4(KCNQ4):c.756C>T (p.Ala252=)

Gene: KCNQ4 (potassium voltage-gated channel subfamily Q member 4; plus strand). Cytogenetic location: 1p34.2.
Variant type: single nucleotide variant.
Coding change: c.756C>T on transcript NM_004700.4 (MANE Select); coding-DNA position 756, C replaced by T.
Protein change: p.Ala252=; no amino-acid change (alanine 252 retained).
Molecular consequence: synonymous variant.
Genome position (GRCh38, 1-based): chr1:40,819,394, C>T. VCF-style: chr1-40819394-C-T. GRCh37 (hg19) VCF-style: chr1-41285066-C-T.
Other names: c.756C>T, p.Ala252= (NM_172163.3).
Identifiers: ClinVar variation 3764240 (VCV003764240.1).

ClinVar aggregate classification (germline): Uncertain significance (1 of 4 stars; one submission).

Submission:

GeneDx
Classification: Uncertain significance. Last evaluated: 2024-08-19. Review status: criteria provided, single submitter. Criteria: GeneDx Variant Classification Process June 2021. Collection method: clinical testing. Allele origin: germline. Affected: yes.
Comment: Not observed at significant frequency in large population cohorts (gnomAD); In silico analysis indicates that this variant does not alter splicing; Has not been previously published as pathogenic or benign to our knowledge